The following is an entry in ClinVar:

ClinVar aggregate classification (germline): Likely pathogenic. Review status: criteria provided, single submitter (1 of 4 stars). 2 submissions from 2 submitters: Likely pathogenic (1). 1 of the submissions does not count toward it. Last evaluated 2022-08-25.

Conditions:
Galloway-Mowat syndrome 1 (GAMOS1). Identifiers: Orphanet 2065, Orphanet 83472, MedGen C4551772, MONDO:0033005, OMIM 251300.

Allele frequency attached by ClinVar (database versions not stated): gnomAD exomes 0.00001; TOPMed 0.00001.
gnomAD v4.1: 10 of 1,610,978 alleles (0.00062%); highest among the groups gnomAD compares: Middle Eastern, 0.017%; no homozygotes.

Submissions (2):

MGZ Medical Genetics Center
Classification: Likely pathogenic for Galloway-Mowat syndrome 1. Last evaluated: 2022-08-25. Review status: criteria provided, single submitter. Criteria: ACMG Guidelines, 2015. Collection method: clinical testing. Allele origin: germline. Affected: yes. Observed: 3 variant alleles.
Comment: ACMG criteria applied: PS4, PM2_SUP, PM3_SUP, PP3

Human Genetics Laboratory, Faculty of Medicine of Tunis
Classification: Likely pathogenic for Galloway-Mowat syndrome 1. Last evaluated: 2018-10-10. Review status: no assertion criteria provided. Collection method: case-control. Allele origin: germline. Inheritance: Autosomal recessive inheritance. Affected: yes. Observed: 1 variant allele, 1 homozygote. Not counted in ClinVar's aggregate classification.

Literature cited by the submitters: PubMed 30315938 (cited by Human Genetics Laboratory, Faculty of Medicine of Tunis).

NM_032856.5(WDR73):c.767G>A (p.Arg256Gln)

Gene: WDR73 (WD repeat domain 73; minus strand). Cytogenetic location: 15q25.2.
Variant type: single nucleotide variant.
Coding change: c.767G>A on transcript NM_032856.5 (MANE Select); coding-DNA position 767, G replaced by A.
Protein change: p.Arg256Gln; replaces arginine 256 with glutamine.
Molecular consequence: missense variant. On other transcripts: non-coding transcript variant (4).
Genome position (GRCh38, 1-based): chr15:84,645,587, C>T on the plus strand (G>A on the coding strand, the complement: WDR73 is on the minus strand). VCF-style: chr15-84645587-C-T. GRCh37 (hg19) VCF-style: chr15-85188818-C-T.
Other names: short protein forms R256Q.
Identifiers: ClinVar variation 635182 (VCV000635182.3), dbSNP rs866551482, ClinGen allele CA273621624.